The following is an entry in ClinVar:

ClinVar aggregate classification (germline): Uncertain significance. Review status: criteria provided, multiple submitters, no conflicts (2 of 4 stars). 2 submissions from 2 submitters: Uncertain significance (2). Last evaluated 2023-08-17.

Allele frequency attached by ClinVar (database versions not stated): gnomAD 0.00001; gnomAD exomes 0.00001; ExAC 0.00002; TOPMed 0.00002; ESP Exome Variant Server 0.00008.
gnomAD v4.1: 12 of 1,612,782 alleles (0.00074%); highest among the groups gnomAD compares: African/African-American, 0.004%; no homozygotes.

Submissions (2):

Labcorp Genetics (formerly Invitae), Labcorp
Classification: Uncertain significance. Last evaluated: 2023-08-17. Review status: criteria provided, single submitter. Criteria: Invitae Variant Classification Sherloc (09022015). Collection method: clinical testing. Allele origin: germline.
Comment: This sequence change replaces glutamic acid, which is acidic and polar, with lysine, which is basic and polar, at codon 1569 of the LAMC3 protein (p.Glu1569Lys). This variant is present in population databases (rs145287578, gnomAD 0.007%). This variant has not been reported in the literature in individuals affected with LAMC3-related conditions. ClinVar contains an entry for this variant (Variation ID: 285885). Algorithms developed to predict the effect of missense changes on protein structure and function output the following: SIFT: "Not Available"; PolyPhen-2: "Benign"; Align-GVGD: "Not Available". The lysine amino acid residue is found in multiple mammalian species, which suggests that this missense change does not adversely affect protein function. In summary, the available evidence is currently insufficient to determine the role of this variant in disease. Therefore, it has been classified as a Variant of Uncertain Significance.

Eurofins Ntd Llc (ga)
Classification: Uncertain significance. Last evaluated: 2016-02-16. Review status: criteria provided, single submitter. Criteria: EGL Classification Definitions 2015. Collection method: clinical testing. Allele origin: germline. Observed: 1 variant allele, 1 heterozygote.

NM_006059.4(LAMC3):c.4705G>A (p.Glu1569Lys)

Gene: LAMC3 (laminin subunit gamma 3; plus strand). Cytogenetic location: 9q34.12.
Variant type: single nucleotide variant.
Coding change: c.4705G>A on transcript NM_006059.4 (MANE Select); coding-DNA position 4705, G replaced by A.
Protein change: p.Glu1569Lys; replaces glutamic acid 1569 with lysine.
Molecular consequence: missense variant.
Genome position (GRCh38, 1-based): chr9:131,091,764, G>A. VCF-style: chr9-131091764-G-A. GRCh37 (hg19) VCF-style: chr9-133967151-G-A.
Other names: short protein forms E1569K.
Identifiers: ClinVar variation 285885 (VCV000285885.8), dbSNP rs145287578, ClinGen allele CA5288260.